The following is an entry in ClinVar:

ClinVar aggregate classification (germline): Likely pathogenic. Review status: criteria provided, multiple submitters, no conflicts (2 of 4 stars). 4 submissions from 4 submitters: Likely pathogenic (3). 1 of the submissions does not count toward it. Last evaluated 2025-02-01.

Conditions:
Tuberous sclerosis syndrome (TSC). Also called: Tuberous Sclerosis Complex; Tuberous sclerosis. Identifiers: Orphanet 805, MedGen C0041341, MONDO:0001734.
Tuberous sclerosis 2 (TSC2). Identifiers: Orphanet 805, MedGen C1860707, MONDO:0013199, OMIM 613254.

Submissions (4):

CeGaT Center for Human Genetics Tuebingen
Classification: Likely pathogenic. Last evaluated: 2025-02-01. Review status: criteria provided, single submitter. Criteria: CeGaT Center For Human Genetics Tuebingen Variant Classification Criteria Version 2. Collection method: clinical testing. Allele origin: germline. Affected: yes. Observed: 2 variant alleles.
Comment: TSC2: PM2, PS4:Moderate, PP3, PP4

GeneDx
Classification: Likely pathogenic. Last evaluated: 2021-11-23. Review status: criteria provided, single submitter. Criteria: GeneDx Variant Classification Process June 2021. Collection method: clinical testing. Allele origin: germline. Affected: yes.
Comment: Not observed at significant frequency in large population cohorts (Lek et al., 2016); In silico analysis supports that this missense variant has a deleterious effect on protein structure/function; In-silico analysis is inconclusive as to whether the variant alters gene splicing. In the absence of RNA/functional studies, the actual effect of this sequence change is unknown.; This variant is associated with the following publications: (PMID: 18466115, 29655203, 16981987, 15798777, 15712319)

Genome-Nilou Lab
Classification: Likely pathogenic for Tuberous sclerosis 2. Last evaluated: 2021-11-07. Review status: criteria provided, single submitter. Criteria: ACMG Guidelines, 2015. Collection method: clinical testing. Allele origin: germline. Affected: no.

Tuberous sclerosis database (TSC2)
No classification provided. Condition: TSC. Review status: no classification provided. Criteria: Tuberous Sclerosis Database Assertion Criteria 2015. Collection method: curation. Allele origin: germline. Affected: yes. Not counted in ClinVar's aggregate classification.

NM_000548.5(TSC2):c.5150T>C (p.Leu1717Pro)

Gene: TSC2 (TSC complex subunit 2; plus strand). Cytogenetic location: 16p13.3.
Variant type: single nucleotide variant.
Coding change: c.5150T>C on transcript NM_000548.5 (MANE Select); coding-DNA position 5150, T replaced by C.
Protein change: p.Leu1717Pro; replaces leucine 1717 with proline.
Molecular consequence: missense variant.
Genome position (GRCh38, 1-based): chr16:2,088,129, T>C. VCF-style: chr16-2088129-T-C. GRCh37 (hg19) VCF-style: chr16-2138130-T-C.
Other names: p.L1717P:CTG>CCG; c.4949T>C, p.Leu1650Pro (NM_001077183.3); c.5081T>C, p.Leu1694Pro (NM_001114382.3); c.4841T>C, p.Leu1614Pro (NM_001318827.2); c.4805T>C, p.Leu1602Pro (NM_001318829.2); c.4418T>C, p.Leu1473Pro (NM_001318831.2); c.4982T>C, p.Leu1661Pro (NM_001318832.2); c.4952T>C, p.Leu1651Pro (NM_001363528.2); and 2 more; short protein forms L1717P, L1473P, L1651P, L1694P, L1614P, L1661P, L1673P, L1602P.
Identifiers: ClinVar variation 49352 (VCV000049352.44), dbSNP rs45517398, ClinGen allele CA021894.
Genomic context (GRCh38, chr16:2,088,129, plus strand): 5'-CCAGCGTGGCCAAGATCGTGTCTGACCGCAACCTGCCCTTCGTGGCCCGCCAGATGGCCC[T>C]GCACGCAAATGTGAGTGGGGGTGGGTCCAGGCGTGAGCTGGTGGGACAGGCCCAGGTGCC-3'
Protein context (NP_000539.2, residues 1707-1727): NLPFVARQMA[Leu1717Pro]HANMASQVHH